The following is an entry in ClinVar:

NM_000202.8(IDS):c.753del (p.Asp252fs)

Genes: IDS (iduronate 2-sulfatase; minus strand), LOC106050102 (IDS recombination region; plus strand). Cytogenetic location: Xq28.
Variant type: Deletion.
Coding change: c.753del on transcript NM_000202.8 (MANE Select); coding-DNA position 753, one base deleted (C; older notation c.753delC).
Protein change: p.Asp252fs; shifts the reading frame from aspartic acid 252.
Molecular consequence: frameshift variant. On other transcripts: non-coding transcript variant (1).
Genome position (GRCh38, 1-based): chrX:149,496,472, G deleted on the plus strand (C on the coding strand, the reverse complement: IDS is on the minus strand); the first of 5 consecutive G bases (chrX:149,496,472-149,496,476); deleting any one gives the same sequence. VCF-style (leftmost placement, unchanged base first): chrX-149496471-CG-C. GRCh37 (hg19) VCF-style: chrX-148578002-CG-C.
Other names: p.Asp252Ilefs*28; c.483del, p.Asp162fs (NM_001166550.4); c.753del, p.Asp252fs (NM_006123.5); short protein forms D162fs, D252fs.
Identifiers: ClinVar variation 3338633 (VCV003338633.2).

ClinVar aggregate classification (germline): Pathogenic (1 of 4 stars; one submission).

Conditions:
Mucopolysaccharidosis, MPS-II (MPS2). Also called: Mucopolysaccharidosis with skin involvement; Mucopolysaccharidosis type 2; IDS deficiency; Sulfoiduronate sulfatase deficiency; SIDS deficiency; Attenuated MPS (subtype; formerly known as mild MPS II). Identifiers: Orphanet 580, Orphanet 79388, MedGen C0026705, MONDO:0010674, OMIM 309900.

Submission:

Foundation for Research in Genetics and Endocrinology, FRIGE's Institute of Human Genetics
Classification: Pathogenic for Mucopolysaccharidosis, MPS-II. Last evaluated: 2024-08-24. Review status: criteria provided, single submitter. Criteria: ACMG Guidelines, 2015. Collection method: clinical testing. Allele origin: germline. Inheritance: X-linked recessive inheritance. Affected: yes. Observed: 1 hemizygote.
Comment: A hemizygous single base pair deletion in exon 6 of the IDS gene that results in a frameshift and premature truncation of the protein 28 amino acids downstream to codon 252 (p.Asp252IlefsTer28) was detected. This variant has not been reported in the 1000 genomes and gnomAD databases. The in-silico prediction of the variant is damaging MutationTaster2. In summary, the variant meets our criteria to be classified as pathogenic